The following is an entry in ClinVar:

ClinVar aggregate classification (germline): Uncertain significance (1 of 4 stars; one submission).

Conditions:
Inborn genetic diseases. Identifiers: MedGen C0950123, MeSH D030342.

gnomAD v4.1: 2 of 1,614,024 alleles (0.00012%); highest among the groups gnomAD compares: Non-Finnish European, 0.00017%; no homozygotes.

Submission:

Ambry Genetics
Classification: Uncertain significance for Inborn genetic diseases. Last evaluated: 2025-05-31. Review status: criteria provided, single submitter. Criteria: Ambry Variant Classification Scheme 2023. Collection method: clinical testing. Allele origin: germline.
Comment: The p.P54A variant (also known as c.160C>G), located in coding exon 2 of the CEP57 gene, results from a C to G substitution at nucleotide position 160. The proline at codon 54 is replaced by alanine, an amino acid with highly similar properties. This amino acid position is conserved. In addition, this alteration is predicted to be tolerated by in silico analysis. Based on the available evidence, the clinical significance of this variant remains unclear.

NM_014679.5(CEP57):c.160C>G (p.Pro54Ala)

Gene: CEP57 (centrosomal protein 57; plus strand). Cytogenetic location: 11q21.
Variant type: single nucleotide variant.
Coding change: c.160C>G on transcript NM_014679.5 (MANE Select); coding-DNA position 160, C replaced by G.
Protein change: p.Pro54Ala; replaces proline 54 with alanine.
Molecular consequence: missense variant.
Genome position (GRCh38, 1-based): chr11:95,799,346, C>G. VCF-style: chr11-95799346-C-G. GRCh37 (hg19) VCF-style: chr11-95532510-C-G.
Other names: c.133C>G, p.Pro45Ala (NM_001243776.2); c.160C>G, p.Pro54Ala (NM_001243777.2); c.79C>G, p.Pro27Ala (NM_001363604.2); short protein forms P54A, P27A, P45A.
Identifiers: ClinVar variation 4001069 (VCV004001069.1).